The following is an entry in ClinVar:

NM_025099.6(CTC1):c.2683T>C (p.Leu895=)

Gene: CTC1 (CST telomere replication complex component 1; minus strand). Cytogenetic location: 17p13.1.
Variant type: single nucleotide variant.
Coding change: c.2683T>C on transcript NM_025099.6 (MANE Select); coding-DNA position 2683, T replaced by C.
Protein change: p.Leu895=; no amino-acid change (leucine 895 retained).
Molecular consequence: synonymous variant. On other transcripts: non-coding transcript variant (1).
Genome position (GRCh38, 1-based): chr17:8,230,638, A>G on the plus strand (T>C on the coding strand, the complement: CTC1 is on the minus strand). VCF-style: chr17-8230638-A-G. GRCh37 (hg19) VCF-style: chr17-8133956-A-G.
Other names: c.2683T>C (NM_025099.5).
Identifiers: ClinVar variation 1106943 (VCV001106943.10), dbSNP rs764648488, ClinGen allele CA8372002.
Genomic context (GRCh38, chr17:8,230,638, plus strand): 5'-GAGACGCCACAAGGGGTTCACATAGTGTCCGTGACAAAATCTCAGCGGAGAAAGACACCA[A>G]GGAATCTGTGAAACTGGAAGGTCAGGGAAATACACTGAGAATGGAGGCACAAGAAAGCAC-3'
Protein context (NP_079375.3, residues 885-905): DLLSDNFTDS[Leu895=]VSFSAEILSR

ClinVar aggregate classification (germline): Likely benign. Review status: criteria provided, multiple submitters, no conflicts (2 of 4 stars). 2 submissions from 2 submitters: Likely benign (2). Last evaluated 2025-05-27.

Conditions:
CTC1-related disorder. Also called: CTC1-related condition.
Dyskeratosis congenita. Identifiers: Orphanet 1775, MedGen C0265965, MONDO:0015780.

Allele frequency attached by ClinVar (database versions not stated): gnomAD exomes 0.00001 and 0.00002; ExAC 0.00002.
gnomAD v4.1: 20 of 1,614,178 alleles (0.0012%); highest among the groups gnomAD compares: Non-Finnish European, 0.0016%; no homozygotes.

Submissions (2):

PreventionGenetics, part of Exact Sciences
Classification: Likely benign for CTC1-related condition. Last evaluated: 2025-05-27. Review status: criteria provided, single submitter. Criteria: ACMG Guidelines, 2015. Collection method: clinical testing. Allele origin: germline.
Comment: This variant is classified as likely benign based on ACMG/AMP sequence variant interpretation guidelines (Richards et al. 2015 PMID: 25741868, with internal and published modifications).

Labcorp Genetics (formerly Invitae), Labcorp
Classification: Likely benign for Dyskeratosis congenita. Last evaluated: 2020-07-30. Review status: criteria provided, single submitter. Criteria: Invitae Variant Classification Sherloc (09022015). Collection method: clinical testing. Allele origin: germline.